The following is an entry in ClinVar:

NM_000264.5(PTCH1):c.552G>T (p.Gln184His)

Gene: PTCH1 (patched 1; minus strand). Cytogenetic location: 9q22.32.
Variant type: single nucleotide variant.
Coding change: c.552G>T on transcript NM_000264.5 (MANE Select); coding-DNA position 552, G replaced by T.
Protein change: p.Gln184His; replaces glutamine 184 with histidine.
Molecular consequence: missense variant. On other transcripts: non-coding transcript variant (1).
Genome position (GRCh38, 1-based): chr9:95,485,717, C>A on the plus strand (G>T on the coding strand, the complement: PTCH1 is on the minus strand). VCF-style: chr9-95485717-C-A. GRCh37 (hg19) VCF-style: chr9-98247999-C-A.
Other names: c.354G>T, p.Gln118His (NM_001083602.3, NM_001354919.2); c.549G>T, p.Gln183His (NM_001083603.3); c.99G>T, p.Gln33His (NM_001083604.3, NM_001083605.3, NM_001083606.3 and 1 more transcripts); c.552G>T, p.Gln184His (NM_001354918.2); short protein forms Q118H, Q184H, Q183H, Q33H.
Identifiers: ClinVar variation 216392 (VCV000216392.19), dbSNP rs369893129, ClinGen allele CA337075.

ClinVar aggregate classification (germline): Conflicting classifications of pathogenicity. Review status: criteria provided, conflicting classifications (1 of 4 stars). 3 submissions from 3 submitters: Uncertain significance (1); Likely benign (2). Last evaluated 2025-12-02.

Conditions:
Hereditary cancer-predisposing syndrome. Also called: Tumor predisposition; Hereditary Cancer Syndrome; Neoplastic Syndromes, Hereditary; Hereditary neoplastic syndrome. Identifiers: Orphanet 140162, MedGen C0027672, MeSH D009386, MONDO:0015356.
Gorlin syndrome. Also called: Nevoid Basal Cell Carcinoma Syndrome; Basal cell nevus syndrome. Identifiers: Orphanet 377, MedGen C0004779, MONDO:0007187.

Allele frequency attached by ClinVar (database versions not stated): gnomAD 0.00001; TOPMed 0.00001; ExAC 0.00003; gnomAD exomes 0.00004; ESP Exome Variant Server 0.00008.
gnomAD v4.1: 19 of 1,614,034 alleles (0.0012%); highest among the groups gnomAD compares: Non-Finnish European, 0.00017%; no homozygotes.

Submissions (3):

Labcorp Genetics (formerly Invitae), Labcorp
Classification: Likely benign for Gorlin syndrome. Last evaluated: 2025-12-02. Review status: criteria provided, single submitter. Criteria: Invitae Variant Classification Sherloc (09022015). Collection method: clinical testing. Allele origin: germline.

Ambry Genetics
Classification: Likely benign for Hereditary cancer-predisposing syndrome. Last evaluated: 2025-11-04. Review status: criteria provided, single submitter. Criteria: Ambry Variant Classification Scheme 2023. Collection method: clinical testing. Allele origin: germline.

Sema4
Classification: Uncertain significance for Hereditary cancer-predisposing syndrome. Last evaluated: 2021-04-03. Review status: criteria provided, single submitter. Criteria: Sema4 Curation Guidelines. Collection method: curation. Allele origin: germline.
Comment: The PTCH1 c.552G>T (p.Q184H) variant has not been reported in the literature to our knowledge. It was observed in 9/10080 chromosomes of the Ashkenazi Jewish subpopulation, with no homozygotes, in the large and broad cohorts of the Genome Aggregation Database. The variant has been reported in ClinVar (Variation ID: 216392). In silico tools suggest the impact of the variant on protein function is inconclusive, though these predictions have not been confirmed by functional studies. The evidence is insufficient to meet ACMG/AMP criteria for classifying the variant as benign or pathogenic. Thus, the clinical significance of this variant is currently uncertain.